The following is an entry in ClinVar:

NM_005902.4(SMAD3):c.425G>A (p.Arg142His)

Gene: SMAD3 (SMAD family member 3; plus strand). Cytogenetic location: 15q22.33.
Variant type: single nucleotide variant.
Coding change: c.425G>A on transcript NM_005902.4 (MANE Select); coding-DNA position 425, G replaced by A.
Protein change: p.Arg142His; replaces arginine 142 with histidine.
Molecular consequence: missense variant. On other transcripts: intron variant (2).
Genome position (GRCh38, 1-based): chr15:67,165,277, G>A. VCF-style: chr15-67165277-G-A. GRCh37 (hg19) VCF-style: chr15-67457615-G-A.
Other names: c.110G>A, p.Arg37His (NM_001145102.2, NM_001407016.1); c.293G>A, p.Arg98His (NM_001145103.2); c.425G>A, p.Arg142His (NM_001407011.1, NM_001407013.1); c.278G>A, p.Arg93His (NM_001407014.1); c.400+189G>A (NM_001407012.1); c.85+189G>A (NM_001407015.1); short protein forms R142H, R37H, R93H, R98H.
Identifiers: ClinVar variation 3386009 (VCV003386009.1).
Genomic context (GRCh38, chr15:67,165,277, plus strand): 5'-ACACTGAGCCACCTCTGCTCTGTCTCCCCCGGACAGTTCTACCTCCTGTGTTGGTGCCAC[G>A]CCACACAGAGATCCCGGCCGAGTTCCCCCCACTGGACGACTACAGCCATTCCATCCCCGA-3'
Protein context (NP_005893.1, residues 132-152): TPVLPPVLVP[Arg142His]HTEIPAEFPP

ClinVar aggregate classification (germline): Uncertain significance (1 of 4 stars; one submission).

Conditions:
Aneurysm-osteoarthritis syndrome. Also called: LOEYS-DIETZ SYNDROME WITH OSTEOARTHRITIS; SMAD3-Related Loeys-Dietz Syndrome; ANEURYSMS-OSTEOARTHRITIS SYNDROME; Loeys-Dietz syndrome, type 1C. Identifiers: Orphanet 284984, MedGen C3151087, MONDO:0013426, OMIM 613795.

gnomAD v4.1: 1 of 1,614,130 alleles (0.000062%); highest among the groups gnomAD compares: Non-Finnish European, 0.000085%; no homozygotes.

Submission:

All of Us Research Program, National Institutes of Health
Classification: Uncertain significance for Aneurysm-osteoarthritis syndrome. Last evaluated: 2024-07-10. Review status: criteria provided, single submitter. Criteria: ACMG Guidelines, 2015. Collection method: clinical testing. Allele origin: germline. Inheritance: Autosomal dominant inheritance. Observed: 1 variant allele, 1 heterozygote.
Comment: This missense variant replaces arginine with histidine at codon 142 of the SMAD3 protein. Computational prediction tools indicate that this variant has a deleterious impact on protein structure and function. To our knowledge, functional studies have not been reported for this variant. This variant has not been reported in individuals affected with SMAD3-related disorders in the literature. This variant has not been identified in the general population by the Genome Aggregation Database (gnomAD). The available evidence is insufficient to determine the role of this variant in disease conclusively. Therefore, this variant is classified as a Variant of Uncertain Significance.

This study involves interpretation of variants in research participants for the purpose of population health screening. Participant phenotype was not available at the time of variant classification. Additional details can be found in publication PMID: 35346344, PMCID: PMC8962531